The following is an entry in ClinVar:

NM_004304.5(ALK):c.2842C>T (p.Pro948Ser)

Gene: ALK (ALK receptor tyrosine kinase; minus strand). Cytogenetic location: 2p23.2.
Variant type: single nucleotide variant.
Coding change: c.2842C>T on transcript NM_004304.5 (MANE Select); coding-DNA position 2842, C replaced by T.
Protein change: p.Pro948Ser; replaces proline 948 with serine.
Molecular consequence: missense variant.
Genome position (GRCh38, 1-based): chr2:29,227,646, G>A on the plus strand (C>T on the coding strand, the complement: ALK is on the minus strand). VCF-style: chr2-29227646-G-A. GRCh37 (hg19) VCF-style: chr2-29450512-G-A.
Other names: short protein forms P948S.
Identifiers: ClinVar variation 949982 (VCV000949982.11), dbSNP rs764482518, ClinGen allele CA1594164.

ClinVar aggregate classification (germline): Uncertain significance. Review status: criteria provided, multiple submitters, no conflicts (2 of 4 stars). 3 submissions from 3 submitters: Uncertain significance (3). Last evaluated 2025-07-07.

Conditions:
Neuroblastoma, susceptibility to, 3. Also called: ALK-Related Neuroblastic Tumor Susceptibility. Identifiers: Orphanet 635, MedGen C2751681, MONDO:0013083, OMIM 613014.
Hereditary cancer-predisposing syndrome. Also called: Hereditary neoplastic syndrome; Tumor predisposition; Neoplastic Syndromes, Hereditary; Hereditary Cancer Syndrome. Identifiers: Orphanet 140162, MedGen C0027672, MeSH D009386, MONDO:0015356.

Allele frequency attached by ClinVar (database versions not stated): gnomAD exomes below 0.00001; ExAC 0.00001.
gnomAD v4.1: 1 of 1,613,978 alleles (0.000062%); highest among the groups gnomAD compares: Non-Finnish European, 0.000085%; no homozygotes.

Submissions (3):

Labcorp Genetics (formerly Invitae), Labcorp
Classification: Uncertain significance for Neuroblastoma, susceptibility to, 3. Last evaluated: 2025-07-07. Review status: criteria provided, single submitter. Criteria: Invitae Variant Classification Sherloc (09022015). Collection method: clinical testing. Allele origin: germline.
Comment: This sequence change replaces proline, which is neutral and non-polar, with serine, which is neutral and polar, at codon 948 of the ALK protein (p.Pro948Ser). This variant is present in population databases (rs764482518, gnomAD 0.0009%). This variant has not been reported in the literature in individuals affected with ALK-related conditions. ClinVar contains an entry for this variant (Variation ID: 949982). An algorithm developed to predict the effect of missense changes on protein structure and function (PolyPhen-2) suggests that this variant is likely to be disruptive. In summary, the available evidence is currently insufficient to determine the role of this variant in disease. Therefore, it has been classified as a Variant of Uncertain Significance.

Ambry Genetics
Classification: Uncertain significance for Hereditary cancer-predisposing syndrome. Last evaluated: 2025-02-19. Review status: criteria provided, single submitter. Criteria: Ambry Variant Classification Scheme 2023. Collection method: clinical testing. Allele origin: germline.
Comment: The p.P948S variant (also known as c.2842C>T), located in coding exon 17 of the ALK gene, results from a C to T substitution at nucleotide position 2842. The proline at codon 948 is replaced by serine, an amino acid with similar properties. This amino acid position is conserved. In addition, this alteration is predicted to be tolerated by in silico analysis. Based on the available evidence, the clinical significance of this variant remains unclear.

GeneDx
Classification: Uncertain significance. Last evaluated: 2023-11-06. Review status: criteria provided, single submitter. Criteria: GeneDx Variant Classification Process June 2021. Collection method: clinical testing. Allele origin: germline. Affected: yes.
Comment: Not observed at significant frequency in large population cohorts (gnomAD); In silico analysis supports that this missense variant does not alter protein structure/function; Has not been previously published as pathogenic or benign to our knowledge